The following is an entry in ClinVar:

ClinVar aggregate classification (germline): Pathogenic. Review status: criteria provided, multiple submitters, no conflicts (2 of 4 stars). 20 submissions from 20 submitters: Pathogenic (19). 1 of the submissions does not count toward it. Last evaluated 2026-06-29.

Conditions:
Retinal dystrophy. Also called: Inherited retinal dystrophy. Identifiers: Orphanet 71862, MedGen C0854723, MeSH D058499, MONDO:0019118, HP:0000556.
CNGA3-related disorders.
CNGA3-related disorder. Also called: CNGA3-related condition.
Macular dystrophy. Identifiers: MedGen C0730292, HP:0007754.
Achromatopsia. Also called: Rod monochromatism. Identifiers: Orphanet 49382, MedGen C0152200, MONDO:0018852, HP:0011516.
Achromatopsia 2 (ACHM2). Also called: COLORBLINDNESS, TOTAL; ROD MONOCHROMACY 2; ROD MONOCHROMATISM 2. Identifiers: Orphanet 49382, MedGen C1857618, MONDO:0009003, OMIM 216900.
Abnormality of the eye. Identifiers: MedGen C4316870, HP:0000478.

Allele frequency attached by ClinVar (database versions not stated): gnomAD exomes 0.00040 and 0.00053; ESP Exome Variant Server 0.00092; TOPMed 0.00035; gnomAD 0.00040 and 0.00036; ExAC 0.00049; 1000 Genomes Project 30x 0.00047; 1000 Genomes Project 0.00040.
gnomAD v4.1: 827 of 1,613,950 alleles (0.051%); highest among the groups gnomAD compares: South Asian, 0.15%; 3 homozygotes.

Submissions 1 to 11 of 20:

PreventionGenetics, part of Exact Sciences
Classification: Pathogenic for CNGA3-related condition. Last evaluated: 2026-06-29. Review status: criteria provided, single submitter. Criteria: ACMG Guidelines, 2015. Collection method: clinical testing. Allele origin: germline.
Comment: The CNGA3 c.1279C>T variant is predicted to result in the amino acid substitution p.Arg427Cys. This variant has been documented to be causative for achromatopsia (see, for example, Wissinger et al. 2001. PubMed ID: 11536077; Fahim et al. 2013. PubMed ID: 23972307; Doucette et al. 2013. PubMed ID: 23362848; Table S1, Lin et al. 2024. PubMed ID: 38219857). Functional studies have suggested this variant impairs folding or trafficking of the channel protein, which in turn decreases cyclic nucleotide-gated (CNG) channel density in the cell membrane (Koeppen et al. 2008. PubMed ID: 18445228). This variant is reported in 0.16% of alleles in individuals of South Asian descent in gnomAD. This variant is interpreted as pathogenic.

OLLIN Analises Genomicas, OLLIN
Classification: Pathogenic for Achromatopsia 2. Last evaluated: 2026-02-13. Review status: criteria provided, single submitter. Criteria: ACMG Guidelines 2015 PMID 25741868. Collection method: clinical testing. Allele origin: germline. Observed: 1 variant allele.
Comment: PS3_P, PM2_P, PM3_VS, PM5, PP3_M, PP1

CeGaT Center for Human Genetics Tuebingen
Classification: Pathogenic. Last evaluated: 2026-02-01. Review status: criteria provided, single submitter. Criteria: CeGaT Center For Human Genetics Tuebingen Variant Classification Criteria Version 2. Collection method: clinical testing. Allele origin: germline. Affected: yes. Observed: 4 variant alleles.
Comment: CNGA3: PM3:Very Strong, PP1:Strong, PM2:Supporting, PP3, PS3:Supporting

Labcorp Genetics (formerly Invitae), Labcorp
Classification: Pathogenic. Last evaluated: 2026-01-24. Review status: criteria provided, single submitter. Criteria: Invitae Variant Classification Sherloc (09022015). Collection method: clinical testing. Allele origin: germline.
Comment: This sequence change replaces arginine, which is basic and polar, with cysteine, which is neutral and slightly polar, at codon 427 of the CNGA3 protein (p.Arg427Cys). This variant is present in population databases (rs141386891, gnomAD 0.2%). This missense change has been observed in individual(s) with achromatopsia or cone dystrophy (PMID: 11536077, 18445228, 23972307, 28559085). In at least one individual the data is consistent with being in trans (on the opposite chromosome) from a pathogenic variant. ClinVar contains an entry for this variant (Variation ID: 497256). Invitae Evidence Modeling of protein sequence and biophysical properties (such as structural, functional, and spatial information, amino acid conservation, physicochemical variation, residue mobility, and thermodynamic stability) indicates that this missense variant is expected to disrupt CNGA3 protein function with a positive predictive value of 95%. Experimental studies have shown that this missense change affects CNGA3 function (PMID: 18445228). For these reasons, this variant has been classified as Pathogenic.

Dasa
Classification: Pathogenic. Last evaluated: 2025-10-07. Review status: criteria provided, single submitter. Criteria: DASA Assertion Criteria. Collection method: clinical testing. Allele origin: germline.
Comment: NM_001298.3(CNGA3):c.1279C>T (p.Arg427Cys) is a missense variant that results in the substitution of arginine with cysteine. The affected residue or protein region has prior evidence supporting clinical relevance. This variant has been observed in affected individuals with related phenotype in a genotype context consistent with recessive disease (PMID: 18445228; PMID: 11536077; PMID: 23972307; PMID: 28559085). Functional evidence supports a deleterious effect on the gene or gene product (PMID: 18445228; PMID: 11536077; PMID: 23972307; PMID: 28559085). This variant has been recurrently observed in individuals with related phenotype (PMID: 18445228; PMID: 11536077; PMID: 23972307; PMID: 28559085). Multiple computational predictions support a deleterious effect on the gene or gene product. The variant is present at low frequency in population datasets. Based on the available data, this variant is classified as pathogenic.

Women's Health and Genetics/Laboratory Corporation of America, LabCorp
Classification: Pathogenic for Achromatopsia 2. Last evaluated: 2024-11-22. Review status: criteria provided, single submitter. Criteria: LabCorp Variant Classification Summary - May 2015. Collection method: clinical testing. Allele origin: germline.
Comment: Variant summary: CNGA3 c.1279C>T (p.Arg427Cys) results in a non-conservative amino acid change in the encoded protein sequence. Five of five in-silico tools predict a damaging effect of the variant on protein function. The variant allele was found at a frequency of 0.0004 in 250474 control chromosomes in the gnomAD database, including 1 homozygote. This frequency is not significantly higher than estimated for a pathogenic variant in CNGA3 causing Achromatopsia 2, allowing no conclusion about variant significance. c.1279C>T has been reported in the literature in multiple individuals affected with Achromatopsia and related disorders (e.g. Fahim_2013, Haer-Wigman_2017). These data indicate that the variant is very likely to be associated with disease. At least one publication reports experimental evidence evaluating an impact on protein function, finding that the variant protein showed no cGMP-activated current upon patchclamp recordings (Muraki_2007). The following publications have been ascertained in the context of this evaluation (PMID: 17693388, 28224992, 23972307). ClinVar contains an entry for this variant (Variation ID: 497256). Based on the evidence outlined above, the variant was classified as pathogenic.

Blueprint Genetics
Classification: Pathogenic for CNGA3-related disorders. Last evaluated: 2024-11-06. Review status: criteria provided, single submitter. Criteria: ACMG Guidelines, 2015. Collection method: clinical testing. Allele origin: germline. Affected: yes. Observed: 5 variant alleles.

Fulgent Genetics
Classification: Pathogenic for Achromatopsia 2. Last evaluated: 2024-03-18. Review status: criteria provided, single submitter. Criteria: ACMG Guidelines, 2015. Collection method: clinical testing. Allele origin: germline.

Revvity Omics, Revvity
Classification: Pathogenic for Achromatopsia 2. Last evaluated: 2024-02-22. Review status: criteria provided, single submitter. Criteria: ACMG Guidelines, 2015. Collection method: clinical testing. Allele origin: germline.

GeneDx
Classification: Pathogenic. Last evaluated: 2024-01-19. Review status: criteria provided, single submitter. Criteria: GeneDx Variant Classification Process June 2021. Collection method: clinical testing. Allele origin: germline. Affected: yes.
Comment: Published functional studies suggest a damaging effect with impaired protein folding and trafficking (PMID: 18445228); In silico analysis supports that this missense variant has a deleterious effect on protein structure/function; This variant is associated with the following publications: (PMID: 3039450, 16961972, 19874885, 23972307, 17693388, 15712225, 11536077, 17652762, 24269407, 18445228, 24148654, 23362848, 28341476, 30682209, 28559085, 30653986, 30418171, 31290651, 31589614, 34426522, 35119454, 35052368, 34449556, 35456423)

Institute of Medical Genetics and Applied Genomics, University Hospital Tübingen
Classification: Pathogenic for Achromatopsia. Last evaluated: 2023-10-31. Review status: criteria provided, single submitter. Criteria: ACMG Guidelines, 2015. Collection method: clinical testing. Allele origin: germline. Inheritance: Autosomal recessive inheritance. Affected: yes.

NM_001298.3(CNGA3):c.1279C>T (p.Arg427Cys)

Gene: CNGA3 (cyclic nucleotide gated channel subunit alpha 3; plus strand). Cytogenetic location: 2q11.2.
Variant type: single nucleotide variant.
Coding change: c.1279C>T on transcript NM_001298.3 (MANE Select); coding-DNA position 1279, C replaced by T.
Protein change: p.Arg427Cys; replaces arginine 427 with cysteine.
Molecular consequence: missense variant.
Genome position (GRCh38, 1-based): chr2:98,396,449, C>T. VCF-style: chr2-98396449-C-T. GRCh37 (hg19) VCF-style: chr2-99012912-C-T.
Other names: c.1225C>T, p.Arg409Cys (NM_001079878.2); short protein forms R427C, R409C.
Identifiers: ClinVar variation 497256 (VCV000497256.93), dbSNP rs141386891, ClinGen allele CA1793976.